The following is an entry in ClinVar:

GRCh38/hg38 16p13.11-12.3(chr16:15457445-18047194)x3

Genes: MARF1 (meiosis regulator and mRNA stability factor 1; minus strand), MIR3179-2 (microRNA 3179-2; plus strand), MIR3180-2 (microRNA 3180-2; plus strand), MIR3670-2 (microRNA 3670-2; plus strand), MIR484 (microRNA 484; plus strand) and 61 more. Cytogenetic location: 16p13.11-12.3.
Variant type: copy number gain.
Change: copy number 3 (three copies instead of two) of chr16:15,457,445-18,047,194 (2.59 Mb, GRCh38 coordinates, 1-based), cytogenetic band 16p13.11-12.3.
Identifiers: ClinVar variation 161075 (VCV000161075.1).

ClinVar aggregate classification (germline): Uncertain significance (1 of 4 stars; one submission).

Submission:

ISCA site 4
Classification: Uncertain significance. Last evaluated: 2011-08-12. Review status: criteria provided, single submitter. Criteria: Kaminsky et al. (Genet Med. 2011). Collection method: clinical testing. Allele origin: unknown. Affected: yes. Observed: 1 variant allele.
Comment: Copy number variation identified through the course of routine clinical cytogenomic testing in postnatal populations. Clinical assertions have been curated as described in Kaminsky et al. 2011.